The following is an entry in ClinVar:

NM_014363.6(SACS):c.11606T>A (p.Leu3869Ter)

Gene: SACS (sacsin molecular chaperone; minus strand). Cytogenetic location: 13q12.12.
Variant type: single nucleotide variant.
Coding change: c.11606T>A on transcript NM_014363.6 (MANE Select); coding-DNA position 11606, T replaced by A.
Protein change: p.Leu3869Ter; replaces leucine 3869 with a stop codon.
Molecular consequence: nonsense.
Genome position (GRCh38, 1-based): chr13:23,332,270, A>T on the plus strand (T>A on the coding strand, the complement: SACS is on the minus strand). VCF-style: chr13-23332270-A-T. GRCh37 (hg19) VCF-style: chr13-23906409-A-T.
Other names: c.11165T>A, p.Leu3722Ter (NM_001278055.2); short protein forms L3722*, L3869*.
Identifiers: ClinVar variation 1069127 (VCV001069127.9), dbSNP rs2137565163, ClinGen allele CA387509611.

ClinVar aggregate classification (germline): Pathogenic (1 of 4 stars; one submission).

Conditions:
Spastic paraplegia. Identifiers: MedGen C0037772, HP:0001258.

Submission:

Labcorp Genetics (formerly Invitae), Labcorp
Classification: Pathogenic for Spastic paraplegia. Last evaluated: 2020-08-23. Review status: criteria provided, single submitter. Criteria: Invitae Variant Classification Sherloc (09022015). Collection method: clinical testing. Allele origin: germline.
Comment: For these reasons, this variant has been classified as Pathogenic. This variant disrupts the C-terminus of the SACS protein. Other variant(s) that disrupt this region (p.Tyr4538*) have been determined to be pathogenic (Invitae). This suggests that variants that disrupt this region of the protein are likely to be causative of disease. This sequence change results in a premature translational stop signal in the SACS gene (p.Leu3869*). While this is not anticipated to result in nonsense mediated decay, it is expected to disrupt the last 711 amino acids of the SACS protein. This variant is not present in population databases (ExAC no frequency). This variant has not been reported in the literature in individuals with SACS-related conditions.